The following is an entry in ClinVar:

ClinVar aggregate classification (germline): Uncertain significance (1 of 4 stars; one submission).

Conditions:
Spondyloenchondrodysplasia with immune dysregulation (SPENCDI). Also called: ROIFMAN IMMUNOSKELETAL SYNDROME; SPONDYLOENCHONDRODYSPLASIA WITH OR WITHOUT IMMUNE DYSREGULATION; COMBINED IMMUNODEFICIENCY WITH AUTOIMMUNITY AND SPONDYLOMETAPHYSEAL DYSPLASIA. Identifiers: Orphanet 1855, MedGen C1842763, MONDO:0011939, OMIM 607944.

Allele frequency attached by ClinVar (database versions not stated): gnomAD exomes below 0.00001; TOPMed below 0.00001; gnomAD 0.00001.
gnomAD v4.1: 2 of 1,614,178 alleles (0.00012%); highest among the groups gnomAD compares: East Asian, 0.0022%; no homozygotes.

Submission:

Labcorp Genetics (formerly Invitae), Labcorp
Classification: Uncertain significance for Spondyloenchondrodysplasia with immune dysregulation. Last evaluated: 2020-02-27. Review status: criteria provided, single submitter. Criteria: Invitae Variant Classification Sherloc (09022015). Collection method: clinical testing. Allele origin: germline.
Comment: In summary, the available evidence is currently insufficient to determine the role of this variant in disease. Therefore, it has been classified as a Variant of Uncertain Significance. Algorithms developed to predict the effect of missense changes on protein structure and function output the following: SIFT: Not Available; PolyPhen-2: "Benign"; Align-GVGD: Not Available. The lysine amino acid residue is found in multiple mammalian species, suggesting that this missense change does not adversely affect protein function. These predictions have not been confirmed by published functional studies and their clinical significance is uncertain. This sequence change replaces glutamic acid with lysine at codon 173 of the ACP5 protein (p.Glu173Lys). The glutamic acid residue is moderately conserved and there is a small physicochemical difference between glutamic acid and lysine. This variant is not present in population databases (ExAC no frequency). This variant has not been reported in the literature in individuals with ACP5-related conditions.

NM_001611.5(ACP5):c.517G>A (p.Glu173Lys)

Gene: ACP5 (acid phosphatase 5, tartrate resistant; minus strand). Cytogenetic location: 19p13.2.
Variant type: single nucleotide variant.
Coding change: c.517G>A on transcript NM_001611.5 (MANE Select); coding-DNA position 517, G replaced by A.
Protein change: p.Glu173Lys; replaces glutamic acid 173 with lysine.
Molecular consequence: missense variant.
Genome position (GRCh38, 1-based): chr19:11,576,461, C>T on the plus strand (G>A on the coding strand, the complement: ACP5 is on the minus strand). VCF-style: chr19-11576461-C-T. GRCh37 (hg19) VCF-style: chr19-11687276-C-T.
Other names: c.517G>A, p.Glu173Lys (NM_001111034.3, NM_001111035.3, NM_001111036.3 and 1 more transcripts); short protein forms E173K.
Identifiers: ClinVar variation 1004654 (VCV001004654.7), dbSNP rs1973158210, ClinGen allele CA404146798.